The following is an entry in ClinVar:

NM_001394062.1(MACF1):c.12787A>G (p.Met4263Val)

Gene: MACF1 (microtubule actin crosslinking factor 1; plus strand). Cytogenetic location: 1p34.3.
Variant type: single nucleotide variant.
Coding change: c.12787A>G on transcript NM_001394062.1 (MANE Select); coding-DNA position 12787, A replaced by G.
Protein change: p.Met4263Val; replaces methionine 4263 with valine.
Molecular consequence: missense variant.
Genome position (GRCh38, 1-based): chr1:39,368,163, A>G. VCF-style: chr1-39368163-A-G. GRCh37 (hg19) VCF-style: chr1-39833835-A-G.
Other names: c.6601A>G, p.Met2201Val (NM_012090.5); short protein forms M4263V, M2201V.
Identifiers: ClinVar variation 2869352 (VCV002869352.3), dbSNP rs769517649, ClinGen allele CA781894.

ClinVar aggregate classification (germline): Uncertain significance (1 of 4 stars; one submission).

Allele frequency attached by ClinVar (database versions not stated): gnomAD exomes below 0.00001; ExAC 0.00001.
gnomAD v4.1: 1 of 1,614,034 alleles (0.000062%); highest among the groups gnomAD compares: South Asian, 0.0011%; no homozygotes.

Submission:

Labcorp Genetics (formerly Invitae), Labcorp
Classification: Uncertain significance. Last evaluated: 2023-11-21. Review status: criteria provided, single submitter. Criteria: Invitae Variant Classification Sherloc (09022015). Collection method: clinical testing. Allele origin: germline.
Comment: This sequence change replaces methionine, which is neutral and non-polar, with valine, which is neutral and non-polar, at codon 2201 of the MACF1 protein (p.Met2201Val). This variant is present in population databases (rs769517649, gnomAD 0.003%). This variant has not been reported in the literature in individuals affected with MACF1-related conditions. An algorithm developed to predict the effect of missense changes on protein structure and function (PolyPhen-2) suggests that this variant is likely to be tolerated. In summary, the available evidence is currently insufficient to determine the role of this variant in disease. Therefore, it has been classified as a Variant of Uncertain Significance.